The following is an entry in ClinVar:

NM_016239.4(MYO15A):c.6956+9C>G

Gene: MYO15A (myosin XVA; plus strand). Cytogenetic location: 17p11.2.
Variant type: single nucleotide variant.
Coding change: c.6956+9C>G on transcript NM_016239.4 (MANE Select); 9 bases into the intron after coding-DNA position 6956, C replaced by G.
Molecular consequence: intron variant.
Genome position (GRCh38, 1-based): chr17:18,148,961, C>G. VCF-style: chr17-18148961-C-G. GRCh37 (hg19) VCF-style: chr17-18052275-C-G.
Identifiers: ClinVar variation 1301952 (VCV001301952.9), dbSNP rs1482709090, ClinGen allele CA625315331.
Genomic context (GRCh38, chr17:18,148,961, plus strand): 5'-ACTTCATTGTGGGCACAGAGGGGCCTGCAGCCAGCAGGGGAGGCCCCAAAGTGTAGGTAG[C>G]TATGGGGGACCCCCTCACAGATGGCCACTCCCAGGCAGAAGGCCGGCCACTCCCAGGCAG-3'

ClinVar aggregate classification (germline): Pathogenic/Likely pathogenic. Review status: criteria provided, multiple submitters, no conflicts (2 of 4 stars). 5 submissions from 5 submitters: Pathogenic (4); Likely pathogenic (1). Last evaluated 2025-10-14.

Conditions:
Autosomal recessive nonsyndromic hearing loss 3. Also called: NEUROSENSORY NONSYNDROMIC RECESSIVE DEAFNESS 3. Identifiers: Orphanet 90636, MedGen C1838263, MONDO:0010860, OMIM 600316.
MYO15A-related disorder. Also called: MYO15A-related condition.

Allele frequency attached by ClinVar (database versions not stated): gnomAD exomes below 0.00001 and 0.00001.
gnomAD v4.1: 2 of 1,579,894 alleles (0.00013%); highest among the groups gnomAD compares: East Asian, 0.0046%; no homozygotes.

Submissions (5):

Women's Health and Genetics/Laboratory Corporation of America, LabCorp
Classification: Pathogenic for Autosomal recessive nonsyndromic hearing loss 3. Last evaluated: 2025-10-14. Review status: criteria provided, single submitter. Criteria: LabCorp Variant Classification Summary - May 2015. Collection method: clinical testing. Allele origin: germline.
Comment: Variant summary: MYO15A c.6956+9C>G alters a nucleotide located at a position not widely known to affect splicing. Several computational tools predict a significant impact on normal splicing: Four predict the variant creates a 5' donor site. Four predict the variant strengthens a cryptic 5' donor site. One predict the variant weakens a 5' donor site. At least one publication reports experimental evidence that this variant affects mRNA splicing (Wu_2022). The variant allele was found at a frequency of 5.3e-06 in 186968 control chromosomes. c.6956+9C>G has been observed in individual(s) affected with Autosomal Recessive Nonsyndromic Hearing Loss 3 (e.g. Yang_2013, Fu_2022, Wu_2022). These data indicate that the variant is likely to be associated with disease. The following publications have been ascertained in the context of this evaluation (PMID: 35346193, 35982127, 23767834). ClinVar contains an entry for this variant (Variation ID: 1301952). Based on the evidence outlined above, the variant was classified as pathogenic.

Labcorp Genetics (formerly Invitae), Labcorp
Classification: Pathogenic. Last evaluated: 2025-06-27. Review status: criteria provided, single submitter. Criteria: Invitae Variant Classification Sherloc (09022015). Collection method: clinical testing. Allele origin: germline.
Comment: This sequence change falls in intron 33 of the MYO15A gene. It does not directly change the encoded amino acid sequence of the MYO15A protein. This variant is present in population databases (no rsID available, gnomAD 0.007%). This variant has been observed in individuals with deafness (PMID: 23767834, 35346193, 35982127). ClinVar contains an entry for this variant (Variation ID: 1301952). Studies have shown that this variant alters mRNA splicing and is expected to lead to the loss of protein expression (PMID: 35982127). For these reasons, this variant has been classified as Pathogenic.

Blueprint Genetics
Classification: Likely pathogenic for MYO15A-related disorders. Last evaluated: 2022-06-22. Review status: criteria provided, single submitter. Criteria: ACMG Guidelines, 2015. Collection method: clinical testing. Allele origin: germline. Affected: yes. Observed: 2 variant alleles.

Juno Genomics, Hangzhou Juno Genomics, Inc
Classification: Pathogenic for Autosomal recessive nonsyndromic hearing loss 3. Review status: criteria provided, single submitter. Criteria: ACMG Guidelines, 2015. Collection method: clinical testing. Allele origin: germline. Affected: yes.
Comment: Absent from controls (or at extremely low frequency if recessive) in Genome Aggregation Database.;Null variant in a gene where loss of function (LOF) is a known mechanism of disease.;For recessive disorders, detected in trans with a pathogenic variant.

Molecular Diagnosis Center for Deafness
Classification: Pathogenic for Autosomal recessive nonsyndromic hearing loss 3. Review status: criteria provided, single submitter. Criteria: ClinGen HL ACMG Specifications v1. Collection method: clinical testing. Allele origin: maternal. Observed: 2 variant alleles.

Literature cited by the submitters: PubMed 23767834 (cited by Women's Health and Genetics/Laboratory Corporation of America, LabCorp and Labcorp Genetics (formerly Invitae), Labcorp); PubMed 35346193 (cited by Women's Health and Genetics/Laboratory Corporation of America, LabCorp and Labcorp Genetics (formerly Invitae), Labcorp); PubMed 35982127 (cited by Women's Health and Genetics/Laboratory Corporation of America, LabCorp and Labcorp Genetics (formerly Invitae), Labcorp).